The following is an entry in ClinVar:

NM_203288.2(RP9):c.34G>A (p.Ala12Thr)

Genes: RP9 (RP9 pre-mRNA splicing factor; minus strand), LOC129998225 (ATAC-STARR-seq lymphoblastoid silent region 18090; plus strand). Cytogenetic location: 7p14.3.
Variant type: single nucleotide variant.
Coding change: c.34G>A on transcript NM_203288.2 (MANE Select); coding-DNA position 34, G replaced by A.
Protein change: p.Ala12Thr; replaces alanine 12 with threonine.
Molecular consequence: missense variant.
Genome position (GRCh38, 1-based): chr7:33,109,339, C>T on the plus strand (G>A on the coding strand, the complement: RP9 is on the minus strand). VCF-style: chr7-33109339-C-T. GRCh37 (hg19) VCF-style: chr7-33148951-C-T.
Other names: short protein forms A12T.
Identifiers: ClinVar variation 193521 (VCV000193521.16), dbSNP rs775870239, ClinGen allele CA239059.
Genomic context (GRCh38, chr7:33,109,339, plus strand): 5'-GCTCCCGACGTCGCTGCAGCTCCTGCTCCGGCGGCTCACGCGGCCGCCGCGCGCCCGCAG[C>T]CCCCACGTCCTCGCGCCCAGGCCGGGACGACATGTCAGCCCCCGCAGCGCCGCTCGGGCA-3'
Protein context (NP_976033.1, residues 2-22): SSRPGREDVG[Ala12Thr]AGARRPREPP

ClinVar aggregate classification (germline): Conflicting classifications of pathogenicity. Review status: criteria provided, conflicting classifications (1 of 4 stars). 3 submissions from 3 submitters: Uncertain significance (1); Likely benign (2). Last evaluated 2026-01-27.

Conditions:
Retinitis pigmentosa (RP). Identifiers: Orphanet 791, MedGen C0035334, MeSH D012174, MONDO:0019200, OMIM 268000. Inheritance: Autosomal dominant, autosomal recessive and X linked inheritance.

Allele frequency attached by ClinVar (database versions not stated): 1000 Genomes Project 30x 0.00062; TOPMed 0.00164; gnomAD exomes 0.00183; ExAC 0.00276.
gnomAD v4.1: 1,955 of 1,447,760 alleles (0.14%); highest among the groups gnomAD compares: Middle Eastern, 0.22%; 5 homozygotes.

Submissions (3):

Labcorp Genetics (formerly Invitae), Labcorp
Classification: Likely benign. Last evaluated: 2026-01-27. Review status: criteria provided, single submitter. Criteria: Invitae Variant Classification Sherloc (09022015). Collection method: clinical testing. Allele origin: germline.

Illumina Laboratory Services, Illumina
Classification: Likely benign for Retinitis pigmentosa. Last evaluated: 2018-01-13. Review status: criteria provided, single submitter. Criteria: ICSL Variant Classification Criteria 13 December 2019. Collection method: clinical testing. Allele origin: germline.
Comment: This variant was observed in the ICSL laboratory as part of a predisposition screen in an ostensibly healthy population. It had not been previously curated by ICSL or reported in the Human Gene Mutation Database (HGMD: prior to June 1st, 2018), and was therefore a candidate for classification through an automated scoring system. Utilizing variant allele frequency, disease prevalence and penetrance estimates, and inheritance mode, an automated score was calculated to assess if this variant is too frequent to cause the disease. Based on the score and internal cut-off values, a variant classified as likely benign is not then subjected to further curation. The score for this variant resulted in a classification of likely benign for this disease.

Eurofins Ntd Llc (ga)
Classification: Uncertain significance. Last evaluated: 2015-01-30. Review status: criteria provided, single submitter. Criteria: EGL Classification Definitions 2015. Collection method: clinical testing. Allele origin: germline. Observed: 1 variant allele, 1 heterozygote.